The following is an entry in ClinVar:

NM_138694.4(PKHD1):c.214C>T (p.Leu72=)

Gene: PKHD1 (PKHD1 ciliary IPT domain containing fibrocystin/polyductin; minus strand). Cytogenetic location: 6p12.2.
Variant type: single nucleotide variant.
Coding change: c.214C>T on transcript NM_138694.4 (MANE Select); coding-DNA position 214, C replaced by T.
Protein change: p.Leu72=; no amino-acid change (leucine 72 retained).
Molecular consequence: synonymous variant.
Genome position (GRCh38, 1-based): chr6:52,082,459, G>A on the plus strand (C>T on the coding strand, the complement: PKHD1 is on the minus strand). VCF-style: chr6-52082459-G-A. GRCh37 (hg19) VCF-style: chr6-51947257-G-A.
Other names: p.Leu72=; c.214C>T, p.Leu72= (NM_170724.3).
Identifiers: ClinVar variation 96385 (VCV000096385.32), dbSNP rs6901799, ClinGen allele CA149500.

ClinVar aggregate classification (germline): Benign. Review status: criteria provided, multiple submitters, no conflicts (2 of 4 stars). 10 submissions from 10 submitters: Benign (8). 2 of the submissions do not count toward it. Last evaluated 2026-02-04.

Conditions:
Polycystic kidney disease 4 (PKD4). Also called: POLYCYSTIC KIDNEY AND HEPATIC DISEASE 1; POLYCYSTIC KIDNEY DISEASE, INFANTILE, TYPE I; POLYCYSTIC KIDNEY DISEASE 4 WITH OR WITHOUT POLYCYSTIC LIVER DISEASE; PKD3; Autosomal Recessive Polycystic Kidney Disease – PKHD1. Identifiers: MedGen C4540575, MONDO:0033004, OMIM 263200.
Autosomal recessive polycystic kidney disease (ARPKD). Also called: AR polycystic kidney disease. Identifiers: Orphanet 731, Orphanet 8378, MedGen C0085548, MeSH D017044, MONDO:0009889.
Polycystic kidney disease. Also called: Kidney, Polycystic; Polycystic kidney dysplasia. Identifiers: MedGen C0022680, MeSH D007690, MONDO:0020642, HP:0000113.

Allele frequency attached by ClinVar (database versions not stated): 1000 Genomes Project 0.07049; 1000 Genomes Project 30x 0.07121; gnomAD 0.09248 and 0.09338; ExAC 0.09313; gnomAD exomes 0.09381 and 0.10382; TOPMed 0.09451; ESP Exome Variant Server 0.10403.
gnomAD v4.1: 165,913 of 1,613,794 alleles (10%); highest among the groups gnomAD compares: Middle Eastern, 18%; 9,096 homozygotes.

Submissions (10):

Labcorp Genetics (formerly Invitae), Labcorp
Classification: Benign for Autosomal recessive polycystic kidney disease. Last evaluated: 2026-02-04. Review status: criteria provided, single submitter. Criteria: Invitae Variant Classification Sherloc (09022015). Collection method: clinical testing. Allele origin: germline.

Blueprint Genetics
Classification: Benign. Last evaluated: 2024-11-26. Review status: criteria provided, single submitter. Criteria: ACMG Guidelines, 2015. Collection method: clinical testing. Allele origin: germline.

Mayo Clinic Laboratories, Mayo Clinic
Classification: Benign. Last evaluated: 2022-03-09. Review status: criteria provided, single submitter. Criteria: ACMG Guidelines, 2015. Collection method: clinical testing. Allele origin: germline. Observed: 143 variant alleles.

Pars Genome Lab
Classification: Benign for Polycystic kidney disease 4. Last evaluated: 2021-06-19. Review status: criteria provided, single submitter. Criteria: ACMG Guidelines, 2015. Collection method: clinical testing. Allele origin: germline. Affected: no.

GeneDx
Classification: Benign. Last evaluated: 2018-07-09. Review status: criteria provided, single submitter. Criteria: GeneDx Variant Classification Process June 2021. Collection method: clinical testing. Allele origin: germline. Affected: yes.

Illumina Laboratory Services, Illumina
Classification: Benign for Polycystic kidney disease 4. Last evaluated: 2018-01-13. Review status: criteria provided, single submitter. Criteria: ICSL Variant Classification Criteria 13 December 2019. Collection method: clinical testing. Allele origin: germline.
Comment: This variant was observed in the ICSL laboratory as part of a predisposition screen in an ostensibly healthy population. It had not been previously curated by ICSL or reported in the Human Gene Mutation Database (HGMD: prior to June 1st, 2018), and was therefore a candidate for classification through an automated scoring system. Utilizing variant allele frequency, disease prevalence and penetrance estimates, and inheritance mode, an automated score was calculated to assess if this variant is too frequent to cause the disease. Based on the score and internal cut-off values, a variant classified as benign is not then subjected to further curation. The score for this variant resulted in a classification of benign for this disease.

Eurofins Ntd Llc (ga)
Classification: Benign. Last evaluated: 2016-02-04. Review status: criteria provided, single submitter. Criteria: EGL Classification Definitions 2015. Collection method: clinical testing. Allele origin: germline. Observed: 35 variant alleles, 33 heterozygotes, 2 homozygotes.

PreventionGenetics, part of Exact Sciences
Classification: Benign. Review status: criteria provided, single submitter. Criteria: ACMG Guidelines, 2015. Collection method: clinical testing. Allele origin: germline.

Natera, Inc.
Classification: Benign for Autosomal recessive polycystic kidney disease. Last evaluated: 2017-05-11. Review status: no assertion criteria provided. Collection method: clinical testing. Allele origin: germline. Not counted in ClinVar's aggregate classification.

Department of Pathology and Laboratory Medicine, Sinai Health System
Classification: Benign for Polycystic Kidney disease. Review status: no assertion criteria provided. Collection method: clinical testing. Allele origin: unknown. Affected: yes. Study: The Canadian Open Genetics Repository (COGR). Not counted in ClinVar's aggregate classification.
Comment: The PKHD1, p.Leu72Leu variant was identified in 9.3% of 121382 control alleles in the Exome Aggregation Consortium (March 14, 2016). According to ACMG guidelines for variant classification based on allele frequency, category BA1, this variant is considered benign and has not been further reviewed (Richards 2015).